The following is an entry in ClinVar:

NM_001267550.2(TTN):c.34696G>T (p.Ala11566Ser)

Gene: TTN (titin; minus strand). Cytogenetic location: 2q31.2.
Variant type: single nucleotide variant.
Coding change: c.34696G>T on transcript NM_001267550.2 (MANE Select); coding-DNA position 34696, G replaced by T.
Protein change: p.Ala11566Ser; replaces alanine 11566 with serine.
Molecular consequence: missense variant. On other transcripts: intron variant (3).
Genome position (GRCh38, 1-based): chr2:178,674,326, C>A on the plus strand (G>T on the coding strand, the complement: TTN is on the minus strand). VCF-style: chr2-178674326-C-A. GRCh37 (hg19) VCF-style: chr2-179539053-C-A.
Other names: c.33574G>T, p.Ala11192Ser (NM_001256850.1); c.30793G>T, p.Ala10265Ser (NM_133378.4); c.13283-32009G>T (NM_003319.4); c.13859-32009G>T (NM_133437.4); c.13658-32009G>T (NM_133432.3); short protein forms A11192S, A10265S, A11566S.
Identifiers: ClinVar variation 892848 (VCV000892848.7), dbSNP rs556948427, ClinGen allele CA1998008.

ClinVar aggregate classification (germline): Conflicting classifications of pathogenicity. Review status: criteria provided, conflicting classifications (1 of 4 stars). 7 submissions from 3 submitters: Uncertain significance (4); Likely benign (2). 1 of the submissions does not count toward it. Last evaluated 2021-05-17.

Conditions:
Early-onset myopathy with fatal cardiomyopathy (CMYO5). Also called: CONGENITAL MYOPATHY 5 WITH CARDIOMYOPATHY; Salih Myopathy. Identifiers: Orphanet 289377, MedGen C2673677, MONDO:0012714, OMIM 611705. Disease mechanism: loss of function.
Myopathy, myofibrillar, 9, with early respiratory failure (MFM9). Also called: EDSTROM MYOPATHY; MYOPATHY, PROXIMAL, WITH EARLY RESPIRATORY MUSCLE INVOLVEMENT; Myopathy, distal, with early respiratory failure, autosomal dominant; Hereditary myopathy with early respiratory failure. Identifiers: Orphanet 178464, Orphanet 34521, MedGen C1863599, MONDO:0011362, OMIM 603689.
Autosomal recessive limb-girdle muscular dystrophy type 2J (LGMDR10). Also called: Limb-girdle muscular dystrophy, type 2J; MUSCULAR DYSTROPHY, LIMB-GIRDLE, AUTOSOMAL RECESSIVE 10. Identifiers: Orphanet 140922, MedGen C1837342, MONDO:0012127, OMIM 608807.
Tibial muscular dystrophy (TMD). Also called: Tibial muscular dystrophy, tardive; UDD MYOPATHY; Udd Distal Myopathy – Tibial Muscular Dystrophy. Identifiers: Orphanet 609, MedGen C1838244, MONDO:0010870, OMIM 600334.
Dilated cardiomyopathy 1G (CMD1G). Identifiers: Orphanet 154, MedGen C1858763, MONDO:0011400, OMIM 604145.
TTN-related disorder. Also called: TTN-related disorders; TTN-related condition; TTN-related disease.

Allele frequency attached by ClinVar (database versions not stated): gnomAD 0.00001; 1000 Genomes Project 30x 0.00031; 1000 Genomes Project 0.00040.
gnomAD v4.1: 30 of 1,587,064 alleles (0.0019%); highest among the groups gnomAD compares: South Asian, 0.031%; no homozygotes.

Submissions (7):

Revvity Omics, Revvity
Classification: Uncertain significance. Last evaluated: 2021-05-17. Review status: criteria provided, single submitter. Criteria: ACMG Guidelines, 2015. Collection method: clinical testing. Allele origin: germline.

Illumina Laboratory Services, Illumina
Classification: Uncertain significance for Dilated cardiomyopathy 1G. Last evaluated: 2018-01-12. Review status: criteria provided, single submitter. Criteria: ICSL Variant Classification Criteria 13 December 2019. Collection method: clinical testing. Allele origin: germline.

Illumina Laboratory Services, Illumina
Classification: Likely benign for Tibial muscular dystrophy. Last evaluated: 2018-01-12. Review status: criteria provided, single submitter. Criteria: ICSL Variant Classification Criteria 13 December 2019. Collection method: clinical testing. Allele origin: germline.
Comment: This variant was observed in the ICSL laboratory as part of a predisposition screen in an ostensibly healthy population. It had not been previously curated by ICSL or reported in the Human Gene Mutation Database (HGMD: prior to June 1st, 2018), and was therefore a candidate for classification through an automated scoring system. Utilizing variant allele frequency, disease prevalence and penetrance estimates, and inheritance mode, an automated score was calculated to assess if this variant is too frequent to cause the disease. Based on the score and internal cut-off values, a variant classified as likely benign is not then subjected to further curation. The score for this variant resulted in a classification of likely benign for this disease.

Illumina Laboratory Services, Illumina
Classification: Uncertain significance for Early-onset myopathy with fatal cardiomyopathy. Last evaluated: 2018-01-12. Review status: criteria provided, single submitter. Criteria: ICSL Variant Classification Criteria 13 December 2019. Collection method: clinical testing. Allele origin: germline.

Illumina Laboratory Services, Illumina
Classification: Uncertain significance for Autosomal recessive limb-girdle muscular dystrophy type 2J. Last evaluated: 2018-01-12. Review status: criteria provided, single submitter. Criteria: ICSL Variant Classification Criteria 13 December 2019. Collection method: clinical testing. Allele origin: germline.

Illumina Laboratory Services, Illumina
Classification: Likely benign for Myopathy, myofibrillar, 9, with early respiratory failure. Last evaluated: 2018-01-12. Review status: criteria provided, single submitter. Criteria: ICSL Variant Classification Criteria 13 December 2019. Collection method: clinical testing. Allele origin: germline.
Comment: the same text as in the submission from Illumina Laboratory Services, Illumina above.

PreventionGenetics, part of Exact Sciences
Classification: Uncertain significance for TTN-related condition. Last evaluated: 2024-07-23. Review status: no assertion criteria provided. Collection method: clinical testing. Allele origin: germline. Not counted in ClinVar's aggregate classification.
Comment: The TTN c.34696G>T variant is predicted to result in the amino acid substitution p.Ala11566Ser. To our knowledge, this variant has not been reported in the literature. This variant is reported in 0.034% of alleles in individuals of South Asian descent in gnomAD. At this time, the clinical significance of this variant is uncertain due to the absence of conclusive functional and genetic evidence.